The following is an entry in ClinVar:

ClinVar aggregate classification (germline): Uncertain significance (1 of 4 stars; one submission).

Submission:

Labcorp Genetics (formerly Invitae), Labcorp
Classification: Uncertain significance. Last evaluated: 2025-08-04. Review status: criteria provided, single submitter. Criteria: Invitae Variant Classification Sherloc (09022015). Collection method: clinical testing. Allele origin: germline.
Comment: This sequence change replaces arginine, which is basic and polar, with glycine, which is neutral and non-polar, at codon 198 of the LZTR1 protein (p.Arg198Gly). This variant is not present in population databases (gnomAD no frequency). This variant has not been reported in the literature in individuals affected with LZTR1-related conditions. An algorithm developed to predict the effect of missense changes on protein structure and function (PolyPhen-2) suggests that this variant is likely to be disruptive. Experimental studies have shown that this missense change affects LZTR1 function (PMID: 30442766). Algorithms developed to predict the effect of sequence changes on RNA splicing suggest that this variant may disrupt the consensus splice site. In summary, the available evidence is currently insufficient to determine the role of this variant in disease. Therefore, it has been classified as a Variant of Uncertain Significance.

Literature cited by the submitters: PubMed 30442766.

NM_006767.4(LZTR1):c.592A>G (p.Arg198Gly)

Gene: LZTR1 (leucine zipper like post translational regulator 1; plus strand). Cytogenetic location: 22q11.21.
Variant type: single nucleotide variant.
Coding change: c.592A>G on transcript NM_006767.4 (MANE Select); coding-DNA position 592, A replaced by G.
Protein change: p.Arg198Gly; replaces arginine 198 with glycine.
Molecular consequence: missense variant.
Genome position (GRCh38, 1-based): chr22:20,988,871, A>G. VCF-style: chr22-20988871-A-G. GRCh37 (hg19) VCF-style: chr22-21343160-A-G.
Other names: short protein forms R198G.
Identifiers: ClinVar variation 4772192 (VCV004772192.1).